The following is an entry in ClinVar:

NM_000426.4(LAMA2):c.8740C>T (p.His2914Tyr)

Gene: LAMA2 (laminin subunit alpha 2; plus strand). Cytogenetic location: 6q22.33.
Variant type: single nucleotide variant.
Coding change: c.8740C>T on transcript NM_000426.4 (MANE Select); coding-DNA position 8740, C replaced by T.
Protein change: p.His2914Tyr; replaces histidine 2914 with tyrosine.
Molecular consequence: missense variant.
Genome position (GRCh38, 1-based): chr6:129,507,525, C>T. VCF-style: chr6-129507525-C-T. GRCh37 (hg19) VCF-style: chr6-129828670-C-T.
Other names: c.8728C>T, p.His2910Tyr (NM_001079823.2); short protein forms H2910Y, H2914Y.
Identifiers: ClinVar variation 1345120 (VCV001345120.8), dbSNP rs751117756, ClinGen allele CA3994911.

ClinVar aggregate classification (germline): Uncertain significance (1 of 4 stars; one submission).

Conditions:
LAMA2-related muscular dystrophy (LAMA2-RD). Also called: Laminin alpha 2-related dystrophy. Identifiers: MedGen C5679788, MONDO:0100228.

Allele frequency attached by ClinVar (database versions not stated): gnomAD exomes below 0.00001 and 0.00001; ExAC 0.00002.
gnomAD v4.1: 2 of 1,614,130 alleles (0.00012%); highest among the groups gnomAD compares: Admixed American, 0.0033%; no homozygotes.

Submission:

Labcorp Genetics (formerly Invitae), Labcorp
Classification: Uncertain significance for LAMA2-related muscular dystrophy. Last evaluated: 2021-04-13. Review status: criteria provided, single submitter. Criteria: Invitae Variant Classification Sherloc (09022015). Collection method: clinical testing. Allele origin: germline.
Comment: This variant has not been reported in the literature in individuals with LAMA2-related conditions. Advanced modeling of protein sequence and biophysical properties (such as structural, functional, and spatial information, amino acid conservation, physicochemical variation, residue mobility, and thermodynamic stability) performed at Invitae indicates that this missense variant is not expected to disrupt LAMA2 protein function. In summary, the available evidence is currently insufficient to determine the role of this variant in disease. Therefore, it has been classified as a Variant of Uncertain Significance. This variant is present in population databases (rs751117756, ExAC 0.02%). This sequence change replaces histidine with tyrosine at codon 2914 of the LAMA2 protein (p.His2914Tyr). The histidine residue is weakly conserved and there is a moderate physicochemical difference between histidine and tyrosine.